The following is an entry in ClinVar:

NM_000435.3(NOTCH3):c.6767C>G (p.Ala2256Gly)

Gene: NOTCH3 (notch receptor 3; minus strand). Cytogenetic location: 19p13.12.
Variant type: single nucleotide variant.
Coding change: c.6767C>G on transcript NM_000435.3 (MANE Select); coding-DNA position 6767, C replaced by G.
Protein change: p.Ala2256Gly; replaces alanine 2256 with glycine.
Molecular consequence: missense variant.
Genome position (GRCh38, 1-based): chr19:15,160,861, G>C on the plus strand (C>G on the coding strand, the complement: NOTCH3 is on the minus strand). VCF-style: chr19-15160861-G-C. GRCh37 (hg19) VCF-style: chr19-15271672-G-C.
Other names: short protein forms A2256G.
Identifiers: ClinVar variation 1718800 (VCV001718800.5), dbSNP rs1467189262, ClinGen allele CA404486331.

ClinVar aggregate classification (germline): Uncertain significance (1 of 4 stars; one submission).

Submission:

Labcorp Genetics (formerly Invitae), Labcorp
Classification: Uncertain significance. Last evaluated: 2023-12-07. Review status: criteria provided, single submitter. Criteria: Invitae Variant Classification Sherloc (09022015). Collection method: clinical testing. Allele origin: germline.
Comment: This sequence change replaces alanine, which is neutral and non-polar, with glycine, which is neutral and non-polar, at codon 2256 of the NOTCH3 protein (p.Ala2256Gly). This variant is not present in population databases (gnomAD no frequency). This variant has not been reported in the literature in individuals affected with NOTCH3-related conditions. ClinVar contains an entry for this variant (Variation ID: 1718800). Advanced modeling of protein sequence and biophysical properties (such as structural, functional, and spatial information, amino acid conservation, physicochemical variation, residue mobility, and thermodynamic stability) performed at Invitae indicates that this missense variant is not expected to disrupt NOTCH3 protein function with a negative predictive value of 95%. In summary, the available evidence is currently insufficient to determine the role of this variant in disease. Therefore, it has been classified as a Variant of Uncertain Significance.